The following is an entry in ClinVar:

NM_005530.3(IDH3A):c.91G>T (p.Val31Phe)

Gene: IDH3A (isocitrate dehydrogenase (NAD(+)) 3 catalytic subunit alpha; plus strand). Cytogenetic location: 15q25.1.
Variant type: single nucleotide variant.
Coding change: c.91G>T on transcript NM_005530.3 (MANE Select); coding-DNA position 91, G replaced by T.
Protein change: p.Val31Phe; replaces valine 31 with phenylalanine.
Molecular consequence: missense variant.
Genome position (GRCh38, 1-based): chr15:78,157,548, G>T. VCF-style: chr15-78157548-G-T. GRCh37 (hg19) VCF-style: chr15-78449890-G-T.
Other names: short protein forms V31F.
Identifiers: ClinVar variation 1009450 (VCV001009450.6), dbSNP rs954972531, ClinGen allele CA393557194.
Genomic context (GRCh38, chr15:78,157,548, plus strand): 5'-TTTTTAAGCCTTCAAAAACAAAAATTCTTACTGTCTTCTTTGATGATTTCTTATGTTCAG[G>T]TTCAGACAGTAACTTTAATTCCAGGAGATGGTATTGGCCCAGAAATTTCAGCTGCAGTTA-3'
Protein context (NP_005521.1, residues 21-41): KQVTRGFTGG[Val31Phe]QTVTLIPGDG

ClinVar aggregate classification (germline): Uncertain significance (1 of 4 stars; one submission).

Submission:

Labcorp Genetics (formerly Invitae), Labcorp
Classification: Uncertain significance. Last evaluated: 2022-02-23. Review status: criteria provided, single submitter. Criteria: Invitae Variant Classification Sherloc (09022015). Collection method: clinical testing. Allele origin: germline.
Comment: In summary, the available evidence is currently insufficient to determine the role of this variant in disease. Therefore, it has been classified as a Variant of Uncertain Significance. Algorithms developed to predict the effect of sequence changes on RNA splicing suggest that this variant may disrupt the consensus splice site. Algorithms developed to predict the effect of missense changes on protein structure and function are either unavailable or do not agree on the potential impact of this missense change (SIFT: "Deleterious"; PolyPhen-2: "Benign"; Align-GVGD: "Class C0"). ClinVar contains an entry for this variant (Variation ID: 1009450). This variant has not been reported in the literature in individuals affected with IDH3A-related conditions. This variant is not present in population databases (gnomAD no frequency). This sequence change replaces valine, which is neutral and non-polar, with phenylalanine, which is neutral and non-polar, at codon 31 of the IDH3A protein (p.Val31Phe).